The following is an entry in ClinVar:

ClinVar aggregate classification (germline): Likely pathogenic (1 of 4 stars; one submission).

Conditions:
Alstrom syndrome (ALMS). Identifiers: Orphanet 64, MedGen C0268425, MONDO:0008763, OMIM 203800.

Submission:

Natera, Inc.
Classification: Likely pathogenic for Alstrom syndrome. Last evaluated: 2024-04-12. Review status: criteria provided, single submitter. Criteria: Natera Variant Classification Schema (03/2026). Collection method: clinical testing. Allele origin: germline.
Comment: The c.4518dupT variant in ALMS1 is a frameshift variant predicted to shift the reading frame beginning at codon 1507 and leads to a stop codon 22 codons downstream. This variant is expected to result in nonsense mediated decay, truncation, or a dysfunctional protein product. This variant is rare in the general population with a frequency below the threshold expected for the associated phenotype(s). Given the available evidence, this variant is classified as Likely Pathogenic.

NM_001378454.1(ALMS1):c.4515dup (p.Pro1506fs)

Gene: ALMS1 (ALMS1 centrosome and basal body associated protein; plus strand). Cytogenetic location: 2p13.1.
Variant type: Duplication.
Coding change: c.4515dup on transcript NM_001378454.1 (MANE Select); coding-DNA position 4515, one base duplicated (T; older notation c.4515dupT).
Protein change: p.Pro1506fs; shifts the reading frame from proline 1506.
Molecular consequence: frameshift variant.
Genome position (GRCh38, 1-based): chr2:73,451,042, T duplicated. VCF-style (leftmost placement, unchanged base first): chr2-73451041-C-CT. GRCh37 (hg19) VCF-style: chr2-73678168-C-CT.
Other names: c.4518dupT (NM_015120.4); c.4518dup, p.Pro1507fs (NM_015120.4); short protein forms P1506fs, P1507fs.
Identifiers: ClinVar variation 4815788 (VCV004815788.1).